The following is an entry in ClinVar:

ClinVar aggregate classification (germline): Benign (1 of 4 stars; one submission).

Allele frequency attached by ClinVar (database versions not stated): 1000 Genomes Project 0.28315; 1000 Genomes Project 30x 0.28045; TOPMed 0.27579.
gnomAD v4.1: 42,459 of 152,088 alleles (28%); highest among the groups gnomAD compares: African/African-American, 43%; 6,731 homozygotes.

Submission:

GeneDx
Classification: Benign. Last evaluated: 2018-06-19. Review status: criteria provided, single submitter. Criteria: GeneDx Variant Classification (06012015). Collection method: clinical testing. Allele origin: germline. Affected: yes.
Comment: This variant is considered likely benign or benign based on one or more of the following criteria: it is a conservative change, it occurs at a poorly conserved position in the protein, it is predicted to be benign by multiple in silico algorithms, and/or has population frequency not consistent with disease.

NM_182961.4(SYNE1):c.12226-336C>A

Gene: SYNE1 (spectrin repeat containing nuclear envelope protein 1; minus strand). Cytogenetic location: 6q25.2.
Variant type: single nucleotide variant.
Coding change: c.12226-336C>A on transcript NM_182961.4 (MANE Select); 336 bases into the intron before coding-DNA position 12226, C replaced by A.
Molecular consequence: intron variant.
Genome position (GRCh38, 1-based): chr6:152,339,702, G>T on the plus strand (C>A on the coding strand, the complement: SYNE1 is on the minus strand). VCF-style: chr6-152339702-G-T. GRCh37 (hg19) VCF-style: chr6-152660837-G-T.
Other names: c.12013-336C>A (NM_033071.5).
Identifiers: ClinVar variation 683949 (VCV000683949.1), dbSNP rs9371587, ClinGen allele CA12308860.